The following is an entry in ClinVar:

ClinVar aggregate classification (germline): Uncertain significance (1 of 4 stars; one submission).

Submission:

GeneDx
Classification: Uncertain significance. Last evaluated: 2023-01-13. Review status: criteria provided, single submitter. Criteria: GeneDx Variant Classification Process June 2021. Collection method: clinical testing. Allele origin: germline. Affected: yes.
Comment: Not observed at significant frequency in large population cohorts (gnomAD); In silico analysis supports that this missense variant has a deleterious effect on protein structure/function; Has not been previously published as pathogenic or benign to our knowledge

NM_025132.4(WDR19):c.2686A>G (p.Lys896Glu)

Gene: WDR19 (WD repeat domain 19; plus strand). Cytogenetic location: 4p14.
Variant type: single nucleotide variant.
Coding change: c.2686A>G on transcript NM_025132.4 (MANE Select); coding-DNA position 2686, A replaced by G.
Protein change: p.Lys896Glu; replaces lysine 896 with glutamic acid.
Molecular consequence: missense variant.
Genome position (GRCh38, 1-based): chr4:39,245,409, A>G. VCF-style: chr4-39245409-A-G. GRCh37 (hg19) VCF-style: chr4-39247029-A-G.
Other names: c.2206A>G, p.Lys736Glu (NM_001317924.2); short protein forms K736E, K896E.
Identifiers: ClinVar variation 2572872 (VCV002572872.1), dbSNP rs2475276625, ClinGen allele CA356639170.